The following is an entry in ClinVar:

NM_001128840.3(CACNA1D):c.1407C>T (p.Ser469=)

Gene: CACNA1D (calcium voltage-gated channel subunit alpha1 D; plus strand). Cytogenetic location: 3p21.1.
Variant type: single nucleotide variant.
Coding change: c.1407C>T on transcript NM_001128840.3 (MANE Select); coding-DNA position 1407, C replaced by T.
Protein change: p.Ser469=; no amino-acid change (serine 469 retained).
Molecular consequence: synonymous variant.
Genome position (GRCh38, 1-based): chr3:53,718,317, C>T. VCF-style: chr3-53718317-C-T. GRCh37 (hg19) VCF-style: chr3-53752344-C-T.
Other names: p.Ser469=; c.1407C>T, p.Ser469= (NM_000720.4, NM_001128839.3).
Identifiers: ClinVar variation 592970 (VCV000592970.26), dbSNP rs146730044, ClinGen allele CA2453941.

ClinVar aggregate classification (germline): Benign/Likely benign. Review status: criteria provided, multiple submitters, no conflicts (2 of 4 stars). 8 submissions from 8 submitters: Benign (5); Likely benign (3). Last evaluated 2026-02-03.

Allele frequency attached by ClinVar (database versions not stated): gnomAD exomes 0.00021 and 0.00053; ExAC 0.00068; gnomAD 0.00219 and 0.00234; TOPMed 0.00264; ESP Exome Variant Server 0.00292; 1000 Genomes Project 0.00319; 1000 Genomes Project 30x 0.00375.
gnomAD v4.1: 651 of 1,614,052 alleles (0.04%); highest among the groups gnomAD compares: African/African-American, 0.76%; no homozygotes.

Submissions (9):

Labcorp Genetics (formerly Invitae), Labcorp
Classification: Benign. Last evaluated: 2026-02-03. Review status: criteria provided, single submitter. Criteria: Invitae Variant Classification Sherloc (09022015). Collection method: clinical testing. Allele origin: germline.

Blueprint Genetics
Classification: Likely benign. Last evaluated: 2024-09-12. Review status: criteria provided, single submitter. Criteria: ACMG Guidelines, 2015. Collection method: clinical testing. Allele origin: germline.

Mayo Clinic Laboratories, Mayo Clinic
Classification: Benign. Last evaluated: 2024-07-02. Review status: criteria provided, single submitter. Criteria: ACMG Guidelines, 2015. Collection method: clinical testing. Allele origin: germline. Observed: 3 variant alleles.
Comment: BA1, BP4, BP7

GeneDx
Classification: Benign. Last evaluated: 2020-08-10. Review status: criteria provided, single submitter. Criteria: GeneDx Variant Classification Process June 2021. Collection method: clinical testing. Allele origin: germline. Affected: yes.

Genetic Services Laboratory, University of Chicago
Classification: Likely benign. Last evaluated: 2019-11-25. Review status: criteria provided, single submitter. Criteria: ACMG Guidelines, 2015. Collection method: clinical testing. Allele origin: germline. Affected: no.

Eurofins Ntd Llc (ga)
Classification: Benign. Last evaluated: 2017-06-30. Review status: criteria provided, single submitter. Criteria: EGL Classification Definitions 2015. Collection method: clinical testing. Allele origin: germline. Observed: 1 variant allele, 1 heterozygote.

Laboratory for Molecular Medicine, Mass General Brigham Personalized Medicine
Classification: Benign. Last evaluated: 2014-11-24. Review status: criteria provided, single submitter. Criteria: LMM Criteria. Collection method: clinical testing. Allele origin: germline. Observed: 1 variant allele.
Comment: Ser469Ser in exon 10 of CACNA1D: This variant is not expected to have clinical s ignificance because it does not alter an amino acid residue and is not located w ithin the splice consensus sequence. It has been identified in 0.8% (37/4406) of African American chromosomes from a broad population by the NHLBI Exome Sequenc ing Project (dbSNP rs146730044).

Breakthrough Genomics
Classification: Likely benign. Review status: criteria provided, single submitter. Criteria: ACMG Guidelines, 2015. Collection method: not provided. Allele origin: germline. Inheritance: Autosomal recessive inheritance. Affected: yes.

Dr. Peter K. Rogan Lab, Western University
No classification provided (evidence only). Condition: Lung cancer. Review status: no classification provided. Collection method: in vitro. Allele origin: not applicable. Functional consequence: retained intron. Not counted in ClinVar's aggregate classification.